The following is an entry in ClinVar:

NM_001321075.3(DLG4):c.1697C>A (p.Thr566Lys)

Gene: DLG4 (discs large MAGUK scaffold protein 4; minus strand). Cytogenetic location: 17p13.1.
Variant type: single nucleotide variant.
Coding change: c.1697C>A on transcript NM_001321075.3 (MANE Select); coding-DNA position 1697, C replaced by A.
Protein change: p.Thr566Lys; replaces threonine 566 with lysine.
Molecular consequence: missense variant. On other transcripts: non-coding transcript variant (1).
Genome position (GRCh38, 1-based): chr17:7,193,114, G>T on the plus strand (C>A on the coding strand, the complement: DLG4 is on the minus strand). VCF-style: chr17-7193114-G-T. GRCh37 (hg19) VCF-style: chr17-7096433-G-T.
Other names: c.1688C>A, p.Thr563Lys (NM_001128827.4); c.1817C>A, p.Thr606Lys (NM_001321074.1); c.1517C>A, p.Thr506Lys (NM_001321076.3, NM_001321077.3); c.1826C>A, p.Thr609Lys (NM_001365.5); c.1616C>A, p.Thr539Lys (NM_001369566.3); short protein forms T506K, T539K, T563K, T566K, T606K, T609K.
Identifiers: ClinVar variation 3361230 (VCV003361230.1).

ClinVar aggregate classification (germline): Uncertain significance (1 of 4 stars; one submission).

gnomAD v4.1: 1 of 1,613,414 alleles (0.000062%); no homozygotes.

Submission:

GeneDx
Classification: Uncertain significance. Last evaluated: 2023-07-23. Review status: criteria provided, single submitter. Criteria: GeneDx Variant Classification Process June 2021. Collection method: clinical testing. Allele origin: germline. Affected: yes.
Comment: Not observed at significant frequency in large population cohorts (gnomAD); In silico analysis supports that this missense variant has a deleterious effect on protein structure/function; Has not been previously published as pathogenic or benign to our knowledge